The following is an entry in ClinVar:

ClinVar aggregate classification (germline): Likely benign (1 of 4 stars; one submission).

Submission:

CeGaT Center for Human Genetics Tuebingen
Classification: Likely benign. Last evaluated: 2026-04-01. Review status: criteria provided, single submitter. Criteria: CeGaT Center For Human Genetics Tuebingen Variant Classification Criteria Version 2. Collection method: clinical testing. Allele origin: germline. Affected: yes. Observed: 1 variant allele.
Comment: DOT1L: BP4, BP7

NM_032482.3(DOT1L):c.4263G>A (p.Lys1421=)

Gene: DOT1L (DOT1 like histone lysine methyltransferase; plus strand). Cytogenetic location: 19p13.3.
Variant type: single nucleotide variant.
Coding change: c.4263G>A on transcript NM_032482.3 (MANE Select); coding-DNA position 4263, G replaced by A.
Protein change: p.Lys1421=; no amino-acid change (lysine 1421 retained).
Molecular consequence: synonymous variant.
Genome position (GRCh38, 1-based): chr19:2,226,784, G>A. VCF-style: chr19-2226784-G-A. GRCh37 (hg19) VCF-style: chr19-2226783-G-A.
Other names: c.4263G>A, p.Lys1421= (NM_001411141.1).
Identifiers: ClinVar variation 4872002 (VCV004872002.2).